The following is an entry in ClinVar:

NM_005228.5(EGFR):c.1892C>G (p.Pro631Arg)

Gene: EGFR (epidermal growth factor receptor; plus strand). Cytogenetic location: 7p11.2.
Variant type: single nucleotide variant.
Coding change: c.1892C>G on transcript NM_005228.5 (MANE Select); coding-DNA position 1892, C replaced by G.
Protein change: p.Pro631Arg; replaces proline 631 with arginine.
Molecular consequence: missense variant.
Genome position (GRCh38, 1-based): chr7:55,171,186, C>G. VCF-style: chr7-55171186-C-G. GRCh37 (hg19) VCF-style: chr7-55238879-C-G.
Other names: c.1757C>G, p.Pro586Arg (NM_001346897.2, NM_001346899.2); c.1892C>G, p.Pro631Arg (NM_001346898.2); c.1733C>G, p.Pro578Arg (NM_001346900.2); c.1091C>G, p.Pro364Arg (NM_001346941.2); short protein forms P364R, P631R, P578R, P586R.
Identifiers: ClinVar variation 3730651 (VCV003730651.2).

ClinVar aggregate classification (germline): Uncertain significance (1 of 4 stars; one submission).

Conditions:
EGFR-related lung cancer (EGFR). Identifiers: MedGen CN130014.

Submission:

Labcorp Genetics (formerly Invitae), Labcorp
Classification: Uncertain significance for EGFR-related lung cancer. Last evaluated: 2024-11-27. Review status: criteria provided, single submitter. Criteria: Invitae Variant Classification Sherloc (09022015). Collection method: clinical testing. Allele origin: germline.
Comment: This sequence change replaces proline, which is neutral and non-polar, with arginine, which is basic and polar, at codon 631 of the EGFR protein (p.Pro631Arg). This variant is not present in population databases (gnomAD no frequency). This variant has not been reported in the literature in individuals affected with EGFR-related conditions. Invitae Evidence Modeling of protein sequence and biophysical properties (such as structural, functional, and spatial information, amino acid conservation, physicochemical variation, residue mobility, and thermodynamic stability) has been performed for this missense variant. However, the output from this modeling did not meet the statistical confidence thresholds required to predict the impact of this variant on EGFR protein function. In summary, the available evidence is currently insufficient to determine the role of this variant in disease. Therefore, it has been classified as a Variant of Uncertain Significance.